The following is an entry in ClinVar:

ClinVar aggregate classification (germline): Uncertain significance (1 of 4 stars; one submission).

Allele frequency attached by ClinVar (database versions not stated): TOPMed below 0.00001; ExAC 0.00001; gnomAD 0.00001; gnomAD exomes 0.00001; ESP Exome Variant Server 0.00008.
gnomAD v4.1: 13 of 1,614,088 alleles (0.00081%); highest among the groups gnomAD compares: African/African-American, 0.0013%; no homozygotes.

Submission:

Ambry Genetics
Classification: Uncertain significance. Last evaluated: 2025-04-07. Review status: criteria provided, single submitter. Criteria: Ambry Variant Classification Scheme 2023. Collection method: clinical testing. Allele origin: germline.
Comment: The p.H769P variant (also known as c.2306A>C), located in coding exon 22 of the KIF1B gene, results from an A to C substitution at nucleotide position 2306. The histidine at codon 769 is replaced by proline, an amino acid with similar properties. This amino acid position is conserved. In addition, this alteration is predicted to be tolerated by in silico analysis. Since supporting evidence is limited at this time, the clinical significance of this alteration remains unclear.

NM_001365951.3(KIF1B):c.2444A>C (p.His815Pro)

Gene: KIF1B (kinesin family member 1B; plus strand). Cytogenetic location: 1p36.22.
Variant type: single nucleotide variant.
Coding change: c.2444A>C on transcript NM_001365951.3 (MANE Select); coding-DNA position 2444, A replaced by C.
Protein change: p.His815Pro; replaces histidine 815 with proline.
Molecular consequence: missense variant.
Genome position (GRCh38, 1-based): chr1:10,323,969, A>C. VCF-style: chr1-10323969-A-C. GRCh37 (hg19) VCF-style: chr1-10384027-A-C.
Other names: c.2444A>C, p.His815Pro (NM_001365952.1); c.2306A>C, p.His769Pro (NM_015074.3); short protein forms H769P, H815P.
Identifiers: ClinVar variation 2497109 (VCV002497109.4), dbSNP rs373206872, ClinGen allele CA581526.